The following is an entry in ClinVar:

ClinVar aggregate classification (germline): Pathogenic (1 of 4 stars; one submission).

Conditions:
Autosomal recessive polycystic kidney disease (ARPKD). Also called: AR polycystic kidney disease. Identifiers: Orphanet 731, Orphanet 8378, MedGen C0085548, MeSH D017044, MONDO:0009889.

Submission:

Labcorp Genetics (formerly Invitae), Labcorp
Classification: Pathogenic for Autosomal recessive polycystic kidney disease. Last evaluated: 2022-03-29. Review status: criteria provided, single submitter. Criteria: Invitae Variant Classification Sherloc (09022015). Collection method: clinical testing. Allele origin: germline.
Comment: For these reasons, this variant has been classified as Pathogenic. This variant has not been reported in the literature in individuals affected with PKHD1-related conditions. This variant is not present in population databases (gnomAD no frequency). This sequence change creates a premature translational stop signal (p.Val2971Glyfs*68) in the PKHD1 gene. It is expected to result in an absent or disrupted protein product. Loss-of-function variants in PKHD1 are known to be pathogenic (PMID: 19940839).

Literature cited by the submitters: PubMed 19940839.

NM_138694.4(PKHD1):c.8912del (p.Val2971fs)

Gene: PKHD1 (PKHD1 ciliary IPT domain containing fibrocystin/polyductin; minus strand). Cytogenetic location: 6p12.3.
Variant type: Deletion.
Coding change: c.8912del on transcript NM_138694.4 (MANE Select); coding-DNA position 8912, one base deleted (T; older notation c.8912delT).
Protein change: p.Val2971fs; shifts the reading frame from valine 2971.
Molecular consequence: frameshift variant.
Genome position (GRCh38, 1-based): chr6:51,753,239, A deleted on the plus strand (T on the coding strand, the reverse complement: PKHD1 is on the minus strand). VCF-style (leftmost placement, unchanged base first): chr6-51753238-CA-C. GRCh37 (hg19) VCF-style: chr6-51618036-CA-C.
Other names: c.8912del, p.Val2971fs (NM_170724.3); short protein forms V2971fs.
Identifiers: ClinVar variation 1451320 (VCV001451320.6), dbSNP rs2151011017, ClinGen allele CA2573140892.